The following is an entry in ClinVar:

ClinVar aggregate classification (germline): Uncertain significance (1 of 4 stars; one submission).

Conditions:
Diamond-Blackfan anemia. Also called: Blackfan Diamond syndrome; Aregenerative anemia chronic congenital; Red cell aplasia, pure hereditary; Congenital hypoplastic anemia; Aase syndrome. Identifiers: Orphanet 124, MedGen C1260899, MeSH D029503, MONDO:0015253, HP:0004810.

Submission:

Labcorp Genetics (formerly Invitae), Labcorp
Classification: Uncertain significance for Diamond-Blackfan anemia. Last evaluated: 2024-02-12. Review status: criteria provided, single submitter. Criteria: Invitae Variant Classification Sherloc (09022015). Collection method: clinical testing. Allele origin: germline.
Comment: This sequence change replaces lysine, which is basic and polar, with asparagine, which is neutral and polar, at codon 47 of the RPS10 protein (p.Lys47Asn). This variant is not present in population databases (gnomAD no frequency). This variant has not been reported in the literature in individuals affected with RPS10-related conditions. An algorithm developed to predict the effect of missense changes on protein structure and function (PolyPhen-2) suggests that this variant is likely to be disruptive. In summary, the available evidence is currently insufficient to determine the role of this variant in disease. Therefore, it has been classified as a Variant of Uncertain Significance.

NM_001014.5(RPS10):c.141G>C (p.Lys47Asn)

Genes: RPS10 (ribosomal protein S10; minus strand), RPS10-NUDT3 (RPS10-NUDT3 readthrough; minus strand). Cytogenetic location: 6p21.31.
Variant type: single nucleotide variant.
Coding change: c.141G>C on transcript NM_001014.5 (MANE Select); coding-DNA position 141, G replaced by C.
Protein change: p.Lys47Asn; replaces lysine 47 with asparagine.
Molecular consequence: missense variant.
Genome position (GRCh38, 1-based): chr6:34,425,081, C>G on the plus strand (G>C on the coding strand, the complement: RPS10 is on the minus strand). VCF-style: chr6-34425081-C-G. GRCh37 (hg19) VCF-style: chr6-34392858-C-G.
Other names: c.141G>C, p.Lys47Asn (NM_001202470.3, NM_001203245.3, NM_001204091.2); short protein forms K47N.
Identifiers: ClinVar variation 3640343 (VCV003640343.2).